The following is an entry in ClinVar:

ClinVar aggregate classification (germline): Likely benign (1 of 4 stars; one submission).

gnomAD v4.1: 2 of 1,613,986 alleles (0.00012%); highest among the groups gnomAD compares: South Asian, 0.0011%; no homozygotes.

Submission:

CeGaT Center for Human Genetics Tuebingen
Classification: Likely benign. Last evaluated: 2025-06-01. Review status: criteria provided, single submitter. Criteria: CeGaT Center For Human Genetics Tuebingen Variant Classification Criteria Version 2. Collection method: clinical testing. Allele origin: germline. Affected: yes. Observed: 1 variant allele.
Comment: PLK4: BP4, BP7

NM_014264.5(PLK4):c.1731G>A (p.Glu577=)

Gene: PLK4 (polo like kinase 4; plus strand). Cytogenetic location: 4q28.1.
Variant type: single nucleotide variant.
Coding change: c.1731G>A on transcript NM_014264.5 (MANE Select); coding-DNA position 1731, G replaced by A.
Protein change: p.Glu577=; no amino-acid change (glutamic acid 577 retained).
Molecular consequence: synonymous variant.
Genome position (GRCh38, 1-based): chr4:127,890,137, G>A. VCF-style: chr4-127890137-G-A. GRCh37 (hg19) VCF-style: chr4-128811292-G-A.
Other names: c.1635G>A, p.Glu545= (NM_001190799.2); c.1608G>A, p.Glu536= (NM_001190801.2); c.1734G>A, p.Glu578= (NM_001441357.1); c.1632G>A, p.Glu544= (NM_001441358.1); c.1629G>A, p.Glu543= (NM_001441359.1, NM_001441369.1); c.1590G>A, p.Glu530= (NM_001441360.1); c.1533G>A, p.Glu511= (NM_001441361.1); c.1731G>A, p.Glu577= (NM_001441362.1); and 4 more.
Identifiers: ClinVar variation 4085177 (VCV004085177.8).